The following is an entry in ClinVar:

ClinVar aggregate classification (germline): Uncertain significance. Review status: criteria provided, multiple submitters, no conflicts (2 of 4 stars). 2 submissions from 2 submitters: Uncertain significance (2). Last evaluated 2025-11-12.

Conditions:
Inborn genetic diseases. Identifiers: MedGen C0950123, MeSH D030342.

gnomAD v4.1: 4 of 1,582,914 alleles (0.00025%); highest among the groups gnomAD compares: African/African-American, 0.0014%; no homozygotes.

Submissions (2):

GeneDx
Classification: Uncertain significance. Last evaluated: 2025-11-12. Review status: criteria provided, single submitter. Criteria: GeneDx Variant Classification Process June 2021. Collection method: clinical testing. Allele origin: germline.
Comment: Not observed at significant frequency in large population cohorts (gnomAD); In silico analysis supports that this missense variant has a deleterious effect on protein structure/function; In silico analysis is inconclusive as to whether the variant alters gene splicing. In the absence of RNA/functional studies, the actual effect of this sequence change is unknown.; Has not been previously published as pathogenic or benign to our knowledge

Ambry Genetics
Classification: Uncertain significance for Inborn genetic diseases. Last evaluated: 2025-10-29. Review status: criteria provided, single submitter. Criteria: Ambry Variant Classification Scheme 2023. Collection method: clinical testing. Allele origin: germline.

NM_017934.7(PHIP):c.2995C>T (p.Arg999Trp)

Genes: IRAK1BP1 (interleukin 1 receptor associated kinase 1 binding protein 1; plus strand), PHIP (PHIP subunit of CUL4-Ring ligase complex; minus strand). Cytogenetic location: 6q14.1.
Variant type: single nucleotide variant.
Coding change: c.2995C>T on transcript NM_017934.7 (MANE Select); coding-DNA position 2995, C replaced by T.
Protein change: p.Arg999Trp; replaces arginine 999 with tryptophan.
Molecular consequence: missense variant.
Genome position (GRCh38, 1-based): chr6:78,970,783, G>A on the plus strand (C>T on the coding strand, the complement: PHIP is on the minus strand). VCF-style: chr6-78970783-G-A. GRCh37 (hg19) VCF-style: chr6-79680500-G-A.
Other names: short protein forms R999W.
Identifiers: ClinVar variation 3391458 (VCV003391458.3).